The following is an entry in ClinVar:

ClinVar aggregate classification (germline): Pathogenic (1 of 4 stars; one submission).

Conditions:
Ehlers-Danlos syndrome, classic type, 1 (EDSCL1). Also called: EHLERS-DANLOS SYNDROME, GRAVIS TYPE; EHLERS-DANLOS SYNDROME, SEVERE CLASSIC TYPE; Ehlers-Danlos syndrome, type 1; Ehlers-Danlos Syndrome, Classic Type, COL5A1-Related; EDS I. Identifiers: MedGen C0268335, MONDO:0019567, OMIM 130000.
Osteogenesis imperfecta type I (OI1). Also called: OI, TYPE I; OSTEOGENESIS IMPERFECTA TARDA; OSTEOGENESIS IMPERFECTA WITH BLUE SCLERAE; Osteogenesis imperfecta type 1; Lobstein's Disease; Lobstein disease. Identifiers: Orphanet 216796, Orphanet 666, MedGen C0023931, MONDO:0008146, OMIM 166200. Disease mechanism: loss of function.

Submission:

Labcorp Genetics (formerly Invitae), Labcorp
Classification: Pathogenic for Osteogenesis imperfecta type I; Ehlers-Danlos syndrome, classic type, 1. Last evaluated: 2025-11-28. Review status: criteria provided, single submitter. Criteria: Invitae Variant Classification Sherloc (09022015). Collection method: clinical testing. Allele origin: germline.
Comment: This sequence change replaces glycine, which is neutral and non-polar, with glutamic acid, which is acidic and polar, at codon 187 of the COL1A2 protein (p.Gly187Glu). This variant is not present in population databases (gnomAD no frequency). This missense change has been observed in individual(s) with osteogenesis imperfecta type IV (PMID: 30715774). Invitae Evidence Modeling of protein sequence and biophysical properties (such as structural, functional, and spatial information, amino acid conservation, physicochemical variation, residue mobility, and thermodynamic stability) indicates that this missense variant is expected to disrupt COL1A2 protein function with a positive predictive value of 95%. This variant disrupts the triple helix domain of COL1A2. Glycine residues within the Gly-Xaa-Yaa repeats of the triple helix domain are required for the structure and stability of fibrillar collagens (PMID: 7695699, 8218237, 19344236). In COL1A2, variants affecting these glycine residues are significantly enriched in individuals with disease (PMID: 9016532, 17078022) compared to the general population (ExAC). For these reasons, this variant has been classified as Pathogenic.

Literature cited by the submitters: PubMed 30715774; PubMed 7695699; PubMed 8218237; PubMed 19344236; PubMed 9016532; PubMed 17078022.

NM_000089.4(COL1A2):c.560G>A (p.Gly187Glu)

Gene: COL1A2 (collagen type I alpha 2 chain; plus strand). Cytogenetic location: 7q21.3.
Variant type: single nucleotide variant.
Coding change: c.560G>A on transcript NM_000089.4 (MANE Select); coding-DNA position 560, G replaced by A.
Protein change: p.Gly187Glu; replaces glycine 187 with glutamic acid.
Molecular consequence: missense variant.
Genome position (GRCh38, 1-based): chr7:94,406,269, G>A. VCF-style: chr7-94406269-G-A. GRCh37 (hg19) VCF-style: chr7-94035581-G-A.
Other names: short protein forms G187E.
Identifiers: ClinVar variation 4788127 (VCV004788127.1).